The following is an entry in ClinVar:

NM_002224.4(ITPR3):c.7039del (p.Asp2347fs)

Gene: ITPR3 (inositol 1,4,5-trisphosphate receptor type 3; plus strand). Cytogenetic location: 6p21.31.
Variant type: Deletion.
Coding change: c.7039del on transcript NM_002224.4 (MANE Select); coding-DNA position 7039, one base deleted (G; older notation c.7039delG).
Protein change: p.Asp2347fs; shifts the reading frame from aspartic acid 2347.
Molecular consequence: frameshift variant.
Genome position (GRCh38, 1-based): chr6:33,690,923, G deleted. VCF-style (leftmost placement, unchanged base first): chr6-33690922-TG-T. GRCh37 (hg19) VCF-style: chr6-33658699-TG-T.
Other names: short protein forms D2347fs.
Identifiers: ClinVar variation 4883861 (VCV004883861.2).
Genomic context (GRCh38, chr6:33,690,922, plus strand): 5'-GAGTGGCCGGCCCAGCCCCTCAAGGTGCCATCCCTATCTCAACCCCATCCTGCAGCTCTT[TG>T]ACCTCATCTACCGCGAGGAGACGCTGTTCAACGTCATCAAGAGTGTGACCCGCAATGGCC-3'

ClinVar aggregate classification (germline): Uncertain significance (1 of 4 stars; one submission).

Submission:

Dasa
Classification: Uncertain significance. Last evaluated: 2025-10-06. Review status: criteria provided, single submitter. Criteria: DASA Assertion Criteria. Collection method: clinical testing. Allele origin: germline.
Comment: NM_002224.4(ITPR3):c.7039del (p.Asp2347Thrfs*16) is a frameshift variant in ITPR3 predicted to alter the reading frame and introduce a premature termination codon. This variant is absent from population databases. The currently available literature and clinical evidence are not sufficient to establish a definitive association between this variant and the reported condition. Therefore, this variant is classified as a variant of uncertain significance.